The following is an entry in ClinVar:

ClinVar aggregate classification (germline): Uncertain significance (1 of 4 stars; one submission).

Allele frequency attached by ClinVar (database versions not stated): gnomAD exomes below 0.00001 and 0.00001; TOPMed 0.00001.
gnomAD v4.1: 6 of 1,605,128 alleles (0.00037%); highest among the groups gnomAD compares: East Asian, 0.0022%; no homozygotes.

Submission:

Labcorp Genetics (formerly Invitae), Labcorp
Classification: Uncertain significance. Last evaluated: 2021-04-06. Review status: criteria provided, single submitter. Criteria: Invitae Variant Classification Sherloc (09022015). Collection method: clinical testing. Allele origin: germline.
Comment: In summary, the available evidence is currently insufficient to determine the role of this variant in disease. Therefore, it has been classified as a Variant of Uncertain Significance. This variant is not present in population databases (ExAC no frequency). This sequence change replaces serine with phenylalanine at codon 154 of the SAMD11 protein (p.Ser154Phe). The serine residue is weakly conserved and there is a large physicochemical difference between serine and phenylalanine. This variant has not been reported in the literature in individuals with SAMD11-related conditions. Algorithms developed to predict the effect of missense changes on protein structure and function are either unavailable or do not agree on the potential impact of this missense change (SIFT: "Deleterious"; PolyPhen-2: "Possibly Damaging"; Align-GVGD: "Class C0").

NM_001385641.1(SAMD11):c.998C>T (p.Ser333Phe)

Gene: SAMD11 (sterile alpha motif domain containing 11; plus strand). Cytogenetic location: 1p36.33.
Variant type: single nucleotide variant.
Coding change: c.998C>T on transcript NM_001385641.1 (MANE Select); coding-DNA position 998, C replaced by T.
Protein change: p.Ser333Phe; replaces serine 333 with phenylalanine.
Molecular consequence: missense variant.
Genome position (GRCh38, 1-based): chr1:939,070, C>T. VCF-style: chr1-939070-C-T. GRCh37 (hg19) VCF-style: chr1-874450-C-T.
Other names: c.998C>T, p.Ser333Phe (NM_001385640.1); c.461C>T, p.Ser154Phe (NM_152486.4); short protein forms S333F, S154F.
Identifiers: ClinVar variation 1417694 (VCV001417694.8), dbSNP rs1301874403, ClinGen allele CA337799759.